The following is an entry in ClinVar:

NM_001040108.2(MLH3):c.1253A>T (p.Glu418Val)

Gene: MLH3 (mutL homolog 3; minus strand). Cytogenetic location: 14q24.3.
Variant type: single nucleotide variant.
Coding change: c.1253A>T on transcript NM_001040108.2 (MANE Select); coding-DNA position 1253, A replaced by T.
Protein change: p.Glu418Val; replaces glutamic acid 418 with valine.
Molecular consequence: missense variant.
Genome position (GRCh38, 1-based): chr14:75,048,403, T>A on the plus strand (A>T on the coding strand, the complement: MLH3 is on the minus strand). VCF-style: chr14-75048403-T-A. GRCh37 (hg19) VCF-style: chr14-75515106-T-A.
Other names: c.1253A>T, p.Glu418Val (NM_014381.3); short protein forms E418V.
Identifiers: ClinVar variation 3295130 (VCV003295130.1).

ClinVar aggregate classification (germline): Uncertain significance (1 of 4 stars; one submission).

gnomAD v4.1: 1 of 1,608,042 alleles (0.000062%); highest among the groups gnomAD compares: African/African-American, 0.0013%; no homozygotes.

Submission:

Ambry Genetics
Classification: Uncertain significance. Last evaluated: 2024-05-04. Review status: criteria provided, single submitter. Criteria: Ambry Variant Classification Scheme 2023. Collection method: clinical testing. Allele origin: germline.
Comment: The p.E418V variant (also known as c.1253A>T), located in coding exon 1 of the MLH3 gene, results from an A to T substitution at nucleotide position 1253. The glutamic acid at codon 418 is replaced by valine, an amino acid with dissimilar properties. This amino acid position is conserved. In addition, the in silico prediction for this alteration is inconclusive. Based on the available evidence, the clinical significance of this variant remains unclear.